The following is an entry in ClinVar:

ClinVar aggregate classification (germline): Uncertain significance (1 of 4 stars; one submission).

Submission:

GeneDx
Classification: Uncertain significance. Last evaluated: 2025-03-06. Review status: criteria provided, single submitter. Criteria: GeneDx Variant Classification Process June 2021. Collection method: clinical testing. Allele origin: germline. Affected: yes.
Comment: Not observed at significant frequency in large population cohorts (gnomAD); Has not been previously published as pathogenic or benign to our knowledge; Nonsense variant predicted to result in protein truncation as the last 329 amino acids are lost with an unclear effect on protein function

NM_014975.3(MAST1):c.3725C>A (p.Ser1242Ter)

Gene: MAST1 (microtubule associated serine/threonine kinase 1; plus strand). Cytogenetic location: 19p13.13.
Variant type: single nucleotide variant.
Coding change: c.3725C>A on transcript NM_014975.3 (MANE Select); coding-DNA position 3725, C replaced by A.
Protein change: p.Ser1242Ter; replaces serine 1242 with a stop codon.
Molecular consequence: nonsense.
Genome position (GRCh38, 1-based): chr19:12,873,882, C>A. VCF-style: chr19-12873882-C-A. GRCh37 (hg19) VCF-style: chr19-12984696-C-A.
Other names: short protein forms S1242*.
Identifiers: ClinVar variation 4082861 (VCV004082861.1).
Genomic context (GRCh38, chr19:12,873,882, plus strand): 5'-CGGGCCACACGGTGGGCAGCTCGCACACTACTCAGAGCTTCCCGGCCAAACTGCACTCAT[C>A]GCCTCCCGTCGTGCGCCCGCGCCCCAAGAGTGCCGAGCCCCCTCGCTCGCCGCTCCTCAA-3'